The following is an entry in ClinVar:

ClinVar aggregate classification (germline): Likely benign. Review status: criteria provided, multiple submitters, no conflicts (2 of 4 stars). 2 submissions from 2 submitters: Likely benign (2). Last evaluated 2025-10-14.

Allele frequency attached by ClinVar (database versions not stated): gnomAD 0.00002 and 0.00004; TOPMed 0.00002; gnomAD exomes 0.00003 and 0.00005; ExAC 0.00006; 1000 Genomes Project 30x 0.00016; 1000 Genomes Project 0.00020.
gnomAD v4.1: 55 of 1,613,634 alleles (0.0034%); highest among the groups gnomAD compares: East Asian, 0.049%; no homozygotes.

Submissions (2):

Labcorp Genetics (formerly Invitae), Labcorp
Classification: Likely benign. Last evaluated: 2025-10-14. Review status: criteria provided, single submitter. Criteria: Invitae Variant Classification Sherloc (09022015). Collection method: clinical testing. Allele origin: germline.

Mayo Clinic Laboratories, Mayo Clinic
Classification: Likely benign. Last evaluated: 2025-09-29. Review status: criteria provided, single submitter. Criteria: ACMG Guidelines, 2015. Collection method: clinical testing. Allele origin: germline. Observed: 1 variant allele.
Comment: BS1, BP4, BP7

NM_001261826.3(AP3D1):c.3576C>T (p.Asp1192=)

Gene: AP3D1 (adaptor related protein complex 3 subunit delta 1; minus strand). Cytogenetic location: 19p13.3.
Variant type: single nucleotide variant.
Coding change: c.3576C>T on transcript NM_001261826.3 (MANE Select); coding-DNA position 3576, C replaced by T.
Protein change: p.Asp1192=; no amino-acid change (aspartic acid 1192 retained).
Molecular consequence: synonymous variant.
Genome position (GRCh38, 1-based): chr19:2,102,245, G>A on the plus strand (C>T on the coding strand, the complement: AP3D1 is on the minus strand). VCF-style: chr19-2102245-G-A. GRCh37 (hg19) VCF-style: chr19-2102244-G-A.
Other names: p.Asp1192=; c.3540C>T, p.Asp1180= (NM_001374799.1); c.3390C>T, p.Asp1130= (NM_003938.8).
Identifiers: ClinVar variation 1665546 (VCV001665546.9), dbSNP rs185787445, ClinGen allele CA9058312.